The following is an entry in ClinVar:

ClinVar aggregate classification (germline): Benign/Likely benign. Review status: criteria provided, multiple submitters, no conflicts (2 of 4 stars). 7 submissions from 7 submitters: Benign (1); Likely benign (5). 1 of the submissions does not count toward it. Last evaluated 2026-08-01.

Conditions:
MYBPC3-related disorder. Also called: MYBPC3-related disorders; MYBPC3-related condition; MYBPC3-related disease.
Cardiovascular phenotype. Identifiers: MedGen CN230736.
Cardiomyopathy (CMYO). Also called: Cardiomyopathies. Identifiers: Orphanet 167848, MedGen C0878544, MONDO:0004994, HP:0001638. Inheritance: Various modes of inheritance.
Hypertrophic cardiomyopathy. Also called: HYPERTROPHIC MYOCARDIOPATHY. Identifiers: Orphanet 217569, MedGen C0007194, MeSH D002312, MONDO:0005045, HP:0001639.

Allele frequency attached by ClinVar (database versions not stated): gnomAD 0.00004; gnomAD exomes 0.00005 and 0.00017; TOPMed 0.00007; ESP Exome Variant Server 0.00008; ExAC 0.00013.
gnomAD v4.1: 72 of 1,612,732 alleles (0.0045%); highest among the groups gnomAD compares: Admixed American, 0.093%; no homozygotes.

Submissions (7):

CeGaT Center for Human Genetics Tuebingen
Classification: Likely benign. Last evaluated: 2026-08-01. Review status: criteria provided, single submitter. Criteria: CeGaT Center For Human Genetics Tuebingen Variant Classification Criteria Version 2. Collection method: clinical testing. Allele origin: germline. Affected: yes. Observed: 1 variant allele.
Comment: MYBPC3: BP4, BP7

Labcorp Genetics (formerly Invitae), Labcorp
Classification: Benign for Hypertrophic cardiomyopathy. Last evaluated: 2025-12-15. Review status: criteria provided, single submitter. Criteria: Invitae Variant Classification Sherloc (09022015). Collection method: clinical testing. Allele origin: germline.

All of Us Research Program, National Institutes of Health
Classification: Likely benign for Hypertrophic cardiomyopathy. Last evaluated: 2024-02-05. Review status: criteria provided, single submitter. Criteria: ACMG Guidelines, 2015. Collection method: clinical testing. Allele origin: germline. Inheritance: Autosomal dominant inheritance. Observed: 13 variant alleles, 13 heterozygotes.
Comment: This study involves interpretation of variants in research participants for the purpose of population health screening. Participant phenotype was not available at the time of variant classification. Additional details can be found in publication PMID: 35346344, PMCID: PMC8962531

Ambry Genetics
Classification: Likely benign for Cardiovascular phenotype. Last evaluated: 2020-05-11. Review status: criteria provided, single submitter. Criteria: Ambry Variant Classification Scheme 2023. Collection method: clinical testing. Allele origin: germline.

Color Diagnostics, LLC DBA Color Health
Classification: Likely benign for Cardiomyopathy. Last evaluated: 2019-05-20. Review status: criteria provided, single submitter. Criteria: ACMG Guidelines, 2015. Collection method: clinical testing. Allele origin: germline.

GeneDx
Classification: Likely benign. Last evaluated: 2015-11-19. Review status: criteria provided, single submitter. Criteria: GeneDx Variant Classification (06012015). Collection method: clinical testing. Allele origin: germline. Affected: yes.
Comment: This variant is considered likely benign or benign based on one or more of the following criteria: it is a conservative change, it occurs at a poorly conserved position in the protein, it is predicted to be benign by multiple in silico algorithms, and/or has population frequency not consistent with disease.

PreventionGenetics, part of Exact Sciences
Classification: Likely benign for MYBPC3-related condition. Last evaluated: 2020-11-30. Review status: no assertion criteria provided. Collection method: clinical testing. Allele origin: germline. Not counted in ClinVar's aggregate classification.
Comment: This variant is classified as likely benign based on ACMG/AMP sequence variant interpretation guidelines (Richards et al. 2015 PMID: 25741868, with internal and published modifications).

NM_000256.3(MYBPC3):c.2808G>A (p.Thr936=)

Gene: MYBPC3 (myosin binding protein C3; minus strand). Cytogenetic location: 11p11.2.
Variant type: single nucleotide variant.
Coding change: c.2808G>A on transcript NM_000256.3 (MANE Select); coding-DNA position 2808, G replaced by A.
Protein change: p.Thr936=; no amino-acid change (threonine 936 retained).
Molecular consequence: synonymous variant.
Genome position (GRCh38, 1-based): chr11:47,335,139, C>T on the plus strand (G>A on the coding strand, the complement: MYBPC3 is on the minus strand). VCF-style: chr11-47335139-C-T. GRCh37 (hg19) VCF-style: chr11-47356690-C-T.
Identifiers: ClinVar variation 188571 (VCV000188571.21), dbSNP rs370530334, ClinGen allele CA012992.